The following is an entry in ClinVar:

NM_001369369.1(FOXN1):c.279C>G (p.Leu93=)

Gene: FOXN1 (forkhead box N1; plus strand). Cytogenetic location: 17q11.2.
Variant type: single nucleotide variant.
Coding change: c.279C>G on transcript NM_001369369.1 (MANE Select); coding-DNA position 279, C replaced by G.
Protein change: p.Leu93=; no amino-acid change (leucine 93 retained).
Molecular consequence: synonymous variant.
Genome position (GRCh38, 1-based): chr17:28,524,658, C>G. VCF-style: chr17-28524658-C-G. GRCh37 (hg19) VCF-style: chr17-26851676-C-G.
Other names: c.279C>G, p.Leu93= (NM_003593.3).
Identifiers: ClinVar variation 322416 (VCV000322416.26), dbSNP rs374082998, ClinGen allele CA8459192.

ClinVar aggregate classification (germline): Benign. Review status: criteria provided, multiple submitters, no conflicts (2 of 4 stars). 4 submissions from 4 submitters: Benign (3). 1 of the submissions does not count toward it. Last evaluated 2026-01-28.

Conditions:
T-cell immunodeficiency, congenital alopecia, and nail dystrophy. Also called: Congenital alopecia and nail dystrophy associated with severe functional T-cell immunodeficiency; Pignata Guarino syndrome. Identifiers: Orphanet 169095, MedGen C1866426, MONDO:0011132, OMIM 601705.
FOXN1-related disorder. Also called: FOXN1-related condition.

Allele frequency attached by ClinVar (database versions not stated): gnomAD 0.00004 and 0.00037; TOPMed 0.00009; ExAC 0.00178; 1000 Genomes Project 0.00280; 1000 Genomes Project 30x 0.00281.
gnomAD v4.1: 1,099 of 1,613,692 alleles (0.068%); highest among the groups gnomAD compares: South Asian, 1.1%; 18 homozygotes.

Submissions (4):

Labcorp Genetics (formerly Invitae), Labcorp
Classification: Benign for T-cell immunodeficiency, congenital alopecia, and nail dystrophy. Last evaluated: 2026-01-28. Review status: criteria provided, single submitter. Criteria: Invitae Variant Classification Sherloc (09022015). Collection method: clinical testing. Allele origin: germline.

CeGaT Center for Human Genetics Tuebingen
Classification: Benign. Last evaluated: 2025-06-01. Review status: criteria provided, single submitter. Criteria: CeGaT Center For Human Genetics Tuebingen Variant Classification Criteria Version 2. Collection method: clinical testing. Allele origin: germline. Affected: yes. Observed: 1 variant allele.
Comment: FOXN1: BP4, BP7, BS1, BS2

Illumina Laboratory Services, Illumina
Classification: Benign for T-cell immunodeficiency, congenital alopecia, and nail dystrophy. Last evaluated: 2018-01-13. Review status: criteria provided, single submitter. Criteria: ICSL Variant Classification Criteria 13 December 2019. Collection method: clinical testing. Allele origin: germline.
Comment: This variant was observed in the ICSL laboratory as part of a predisposition screen in an ostensibly healthy population. It had not been previously curated by ICSL or reported in the Human Gene Mutation Database (HGMD: prior to June 1st, 2018), and was therefore a candidate for classification through an automated scoring system. Utilizing variant allele frequency, disease prevalence and penetrance estimates, and inheritance mode, an automated score was calculated to assess if this variant is too frequent to cause the disease. Based on the score and internal cut-off values, a variant classified as benign is not then subjected to further curation. The score for this variant resulted in a classification of benign for this disease.

PreventionGenetics, part of Exact Sciences
Classification: Benign for FOXN1-related condition. Last evaluated: 2019-06-28. Review status: no assertion criteria provided. Collection method: clinical testing. Allele origin: germline. Not counted in ClinVar's aggregate classification.
Comment: This variant is classified as benign based on ACMG/AMP sequence variant interpretation guidelines (Richards et al. 2015 PMID: 25741868, with internal and published modifications).